The following is an entry in ClinVar:

ClinVar aggregate classification (germline): Likely benign. Review status: criteria provided, multiple submitters, no conflicts (2 of 4 stars). 2 submissions from 2 submitters: Likely benign (2). Last evaluated 2024-01-03.

Allele frequency attached by ClinVar (database versions not stated): gnomAD 0.00003 and 0.00004; ExAC 0.00004; gnomAD exomes 0.00005 and 0.00010; TOPMed 0.00005; ESP Exome Variant Server 0.00008.
gnomAD v4.1: 149 of 1,611,598 alleles (0.0092%); highest among the groups gnomAD compares: Non-Finnish European, 0.012%; no homozygotes.

Submissions (2):

Labcorp Genetics (formerly Invitae), Labcorp
Classification: Likely benign. Last evaluated: 2024-01-03. Review status: criteria provided, single submitter. Criteria: Invitae Variant Classification Sherloc (09022015). Collection method: clinical testing. Allele origin: germline.

GeneDx
Classification: Likely benign. Last evaluated: 2017-08-11. Review status: criteria provided, single submitter. Criteria: GeneDx Variant Classification (06012015). Collection method: clinical testing. Allele origin: germline. Affected: yes.
Comment: This variant is considered likely benign or benign based on one or more of the following criteria: it is a conservative change, it occurs at a poorly conserved position in the protein, it is predicted to be benign by multiple in silico algorithms, and/or has population frequency not consistent with disease.

NM_001039141.3(TRIOBP):c.5373T>C (p.Pro1791=)

Genes: TRIOBP (TRIO and F-actin binding protein; plus strand), LOC126863144 (CDK7 strongly-dependent group 2 enhancer GRCh37_chr22:38147547-38148746; plus strand). Cytogenetic location: 22q13.1.
Variant type: single nucleotide variant.
Coding change: c.5373T>C on transcript NM_001039141.3 (MANE Select); coding-DNA position 5373, T replaced by C.
Protein change: p.Pro1791=; no amino-acid change (proline 1791 retained).
Molecular consequence: synonymous variant.
Genome position (GRCh38, 1-based): chr22:37,751,822, T>C. VCF-style: chr22-37751822-T-C. GRCh37 (hg19) VCF-style: chr22-38147829-T-C.
Other names: c.234T>C, p.Pro78= (NM_007032.5, NM_138632.2).
Identifiers: ClinVar variation 511177 (VCV000511177.4), dbSNP rs376385866, ClinGen allele CA10224653.
Genomic context (GRCh38, chr22:37,751,822, plus strand): 5'-CTCCCCACAGCCCGATCTGCTCAACTTCAAGAAGGGATGGATGTCGATCTTGGACGAGCC[T>C]GGAGAGGTAAGAGGACTGAGGCCGGAGGGGAGGAAGCTGGCTTGTGCTGCTGCTGGGCCC-3'
Protein context (NP_001034230.1, residues 1781-1801): KKGWMSILDE[Pro1791=]GEPPSPSLTT